The following is an entry in ClinVar:

ClinVar aggregate classification (germline): Conflicting classifications of pathogenicity. Review status: criteria provided, conflicting classifications (1 of 4 stars). 2 submissions from 2 submitters: Uncertain significance (1); Benign (1). Last evaluated 2025-10-01.

Conditions:
Hereditary spastic paraplegia 30. Identifiers: Orphanet 101010, MedGen C5235139, MONDO:0012476.
Neuropathy, hereditary sensory, type 2C. Also called: KIF1A-Related HSAN2 (HSAN2C); Hereditary sensory and autonomic neuropathy type IIC. Identifiers: Orphanet 970, MedGen C3280168, MONDO:0013634, OMIM 614213.
Intellectual disability, autosomal dominant 9 (NESCAVS). Also called: KIF1A-Related Neurodevelopmental Disorder; NESCAV SYNDROME. Identifiers: Orphanet 662367, MedGen C5393830, MONDO:0013656, OMIM 614255.

Allele frequency attached by ClinVar (database versions not stated): gnomAD exomes 0.00001; 1000 Genomes Project 0.00020; gnomAD 0.00003 and 0.00002; ExAC 0.00002; 1000 Genomes Project 30x 0.00016.
gnomAD v4.1: 10 of 1,602,800 alleles (0.00062%); highest among the groups gnomAD compares: African/African-American, 0.013%; no homozygotes.

Submissions (2):

Labcorp Genetics (formerly Invitae), Labcorp
Classification: Benign for Hereditary spastic paraplegia 30; Neuropathy, hereditary sensory, type 2C; Intellectual disability, autosomal dominant 9. Last evaluated: 2025-10-01. Review status: criteria provided, single submitter. Criteria: Invitae Variant Classification Sherloc (09022015). Collection method: clinical testing. Allele origin: germline.

GeneDx
Classification: Uncertain significance. Last evaluated: 2023-03-22. Review status: criteria provided, single submitter. Criteria: GeneDx Variant Classification Process June 2021. Collection method: clinical testing. Allele origin: germline.
Comment: In silico analysis supports that this missense variant does not alter protein structure/function; Has not been previously published as pathogenic or benign to our knowledge

NM_001244008.2(KIF1A):c.2344A>G (p.Lys782Glu)

Gene: KIF1A (kinesin family member 1A; minus strand). Cytogenetic location: 2q37.3.
Variant type: single nucleotide variant.
Coding change: c.2344A>G on transcript NM_001244008.2 (MANE Select); coding-DNA position 2344, A replaced by G.
Protein change: p.Lys782Glu; replaces lysine 782 with glutamic acid.
Molecular consequence: missense variant.
Genome position (GRCh38, 1-based): chr2:240,760,765, T>C on the plus strand (A>G on the coding strand, the complement: KIF1A is on the minus strand). VCF-style: chr2-240760765-T-C. GRCh37 (hg19) VCF-style: chr2-241700182-T-C.
Other names: c.2344A>G, p.Lys782Glu (NM_001320705.2, NM_001330289.2, NM_001379638.1); c.2419A>G, p.Lys807Glu (NM_001330290.2, NM_001379631.1, NM_001379634.1 and 2 more transcripts); c.2317A>G, p.Lys773Glu (NM_001379632.1, NM_001379633.1, NM_001379636.1 and 10 more transcripts); c.2392A>G, p.Lys798Glu (NM_001379637.1, NM_001379648.1); short protein forms K773E, K782E, K807E, K798E.
Identifiers: ClinVar variation 1488563 (VCV001488563.10), dbSNP rs569071678, ClinGen allele CA2208123.